The following is an entry in ClinVar:

NM_000208.4(INSR):c.687C>T (p.Thr229=)

Gene: INSR (insulin receptor; minus strand). Cytogenetic location: 19p13.2.
Variant type: single nucleotide variant.
Coding change: c.687C>T on transcript NM_000208.4 (MANE Select); coding-DNA position 687, C replaced by T.
Protein change: p.Thr229=; no amino-acid change (threonine 229 retained).
Molecular consequence: synonymous variant.
Genome position (GRCh38, 1-based): chr19:7,184,603, G>A on the plus strand (C>T on the coding strand, the complement: INSR is on the minus strand). VCF-style: chr19-7184603-G-A. GRCh37 (hg19) VCF-style: chr19-7184614-G-A.
Other names: c.687C>T, p.Thr229= (NM_001079817.3).
Identifiers: ClinVar variation 211198 (VCV000211198.20), dbSNP rs150568177, ClinGen allele CA205692.
Genomic context (GRCh38, chr19:7,184,603, plus strand): 5'-GGGGTCGTCGGGCTGAGAACAGTTGCCCAGGCACTCGCTGTGGCAACAGAGGCCTTCGGC[G>A]GTGCAGCCGTGTGACTTACAGATGGTCGGGCAAACTGGAGAGAGAGAGAGAGAGAGAGGG-3'
Protein context (NP_000199.2, residues 219-239): CPTICKSHGC[Thr229=]AEGLCCHSEC

ClinVar aggregate classification (germline): Benign/Likely benign. Review status: criteria provided, multiple submitters, no conflicts (2 of 4 stars). 7 submissions from 5 submitters: Benign (1); Likely benign (6). Last evaluated 2026-01-12.

Conditions:
Hyperinsulinism due to INSR deficiency. Also called: Hyperinsulinism due to glutamodehydrogenase deficiency. Identifiers: Orphanet 263458, MedGen C1864952, MONDO:0012381, OMIM 609968.
Rabson-Mendenhall syndrome. Also called: Pineal hyperplasia AND diabetes mellitus syndrome; Pineal Hyperplasia, Insulin-Resistant Diabetes Mellitus, and Somatic Abnormalities; MENDENHALL SYNDROME. Identifiers: Orphanet 769, MedGen C0271695, MONDO:0009874, OMIM 262190.
Insulin-resistant diabetes mellitus AND acanthosis nigricans. Also called: type A insulin resistance; DIABETES MELLITUS, INSULIN-RESISTANT, WITH ACANTHOSIS NIGRICANS, TYPE A; Insulin-resistance syndrome type A; INSULIN RECEPTOR, DEFECT IN, WITH INSULIN-RESISTANT DIABETES MELLITUS AND ACANTHOSIS NIGRICANS; IRAN, TYPE A. Identifiers: Orphanet 2297, MedGen C0342278, MONDO:0012520, OMIM 610549.
Leprechaunism syndrome. Also called: Donohue syndrome; LEPRECHAUNISM. Identifiers: Orphanet 508, MedGen C0265344, MONDO:0009517, OMIM 246200.

Allele frequency attached by ClinVar (database versions not stated): gnomAD 0.00104 and 0.00111; ESP Exome Variant Server 0.00147; 1000 Genomes Project 30x 0.00156; 1000 Genomes Project 0.00160.
gnomAD v4.1: 696 of 1,612,472 alleles (0.043%); highest among the groups gnomAD compares: African/African-American, 0.33%; 2 homozygotes.

Submissions (7):

Labcorp Genetics (formerly Invitae), Labcorp
Classification: Benign. Last evaluated: 2026-01-12. Review status: criteria provided, single submitter. Criteria: Invitae Variant Classification Sherloc (09022015). Collection method: clinical testing. Allele origin: germline.

Blueprint Genetics
Classification: Likely benign. Last evaluated: 2024-07-25. Review status: criteria provided, single submitter. Criteria: ACMG Guidelines, 2015. Collection method: clinical testing. Allele origin: germline.

Illumina Laboratory Services, Illumina
Classification: Likely benign for Rabson-Mendenhall syndrome. Last evaluated: 2018-01-13. Review status: criteria provided, single submitter. Criteria: ICSL Variant Classification Criteria 13 December 2019. Collection method: clinical testing. Allele origin: germline.
Comment: This variant was observed in the ICSL laboratory as part of a predisposition screen in an ostensibly healthy population. It had not been previously curated by ICSL or reported in the Human Gene Mutation Database (HGMD: prior to June 1st, 2018), and was therefore a candidate for classification through an automated scoring system. Utilizing variant allele frequency, disease prevalence and penetrance estimates, and inheritance mode, an automated score was calculated to assess if this variant is too frequent to cause the disease. Based on the score and internal cut-off values, a variant classified as likely benign is not then subjected to further curation. The score for this variant resulted in a classification of likely benign for this disease.

Illumina Laboratory Services, Illumina
Classification: Likely benign for Insulin-resistant diabetes mellitus AND acanthosis nigricans. Last evaluated: 2018-01-13. Review status: criteria provided, single submitter. Criteria: ICSL Variant Classification Criteria 13 December 2019. Collection method: clinical testing. Allele origin: germline.
Comment: the same text as in the submission from Illumina Laboratory Services, Illumina above.

Illumina Laboratory Services, Illumina
Classification: Likely benign for Leprechaunism syndrome. Last evaluated: 2018-01-13. Review status: criteria provided, single submitter. Criteria: ICSL Variant Classification Criteria 13 December 2019. Collection method: clinical testing. Allele origin: germline.
Comment: the same text as in the submission from Illumina Laboratory Services, Illumina above.

Genetic Services Laboratory, University of Chicago
Classification: Likely benign. Last evaluated: 2016-09-22. Review status: criteria provided, single submitter. Criteria: ACMG Guidelines, 2015. Collection method: clinical testing. Allele origin: germline. Affected: no.

Clinical Genomics, Uppaluri K&H Personalized Medicine Clinic
Classification: Likely benign for Hyperinsulinism due to INSR deficiency. Review status: criteria provided, single submitter. Criteria: K And H Uppaluri Personalized Medicine Clinic Variant Classification And Assertion Criteria Updated V 2. Collection method: research. Allele origin: unknown. Inheritance: Autosomal dominant inheritance.
Comment: Potent mutations in this gene can lead to insulin resistance, which presents as impaired glucose tolerance, early onset type 2 diabetes, post prandial hyperglycemia and increased insulin requirement in type 1 diabetes. These mutations in INSR gene can also predispose to coronary artery disease, metabolic syndrome, polycystic ovarian disease and non alcoholic fatty liver disease.However, the role of this particular variant rs150568177 with early onset diabetes mellitus is yet to be ascertained.

Literature cited by the submitters: PubMed 35000900 (cited by Clinical Genomics, Uppaluri K&H Personalized Medicine Clinic); PubMed 31989990 (cited by Clinical Genomics, Uppaluri K&H Personalized Medicine Clinic); PubMed 23705494 (cited by Clinical Genomics, Uppaluri K&H Personalized Medicine Clinic).